The following is an entry in ClinVar:

NM_002691.4(POLD1):c.799G>A (p.Glu267Lys)

Gene: POLD1 (DNA polymerase delta 1, catalytic subunit; plus strand). Cytogenetic location: 19q13.33.
Variant type: single nucleotide variant.
Coding change: c.799G>A on transcript NM_002691.4 (MANE Select); coding-DNA position 799, G replaced by A.
Protein change: p.Glu267Lys; replaces glutamic acid 267 with lysine.
Molecular consequence: missense variant. On other transcripts: non-coding transcript variant (1).
Genome position (GRCh38, 1-based): chr19:50,402,494, G>A. VCF-style: chr19-50402494-G-A. GRCh37 (hg19) VCF-style: chr19-50905751-G-A.
Other names: c.799G>A, p.Glu267Lys (NM_001256849.1, NM_001308632.1); short protein forms E267K.
Identifiers: ClinVar variation 2853571 (VCV002853571.3), dbSNP rs2122250412, ClinGen allele CA406974956.

ClinVar aggregate classification (germline): Uncertain significance (1 of 4 stars; one submission).

Conditions:
POLD1-related polyposis and colorectal cancer syndrome (CRCS10). Also called: Colorectal cancer 10; COLORECTAL CANCER, SUSCEPTIBILITY TO, ON CHROMOSOME 19q; Colorectal cancer, susceptibility to, 10. Identifiers: Orphanet 220460, MedGen C2675481, MONDO:0012953, OMIM 612591.

Submission:

Labcorp Genetics (formerly Invitae), Labcorp
Classification: Uncertain significance for POLD1-related polyposis and colorectal cancer syndrome. Last evaluated: 2024-10-02. Review status: criteria provided, single submitter. Criteria: Invitae Variant Classification Sherloc (09022015). Collection method: clinical testing. Allele origin: germline.
Comment: This sequence change replaces glutamic acid, which is acidic and polar, with lysine, which is basic and polar, at codon 267 of the POLD1 protein (p.Glu267Lys). This variant is not present in population databases (gnomAD no frequency). This variant has not been reported in the literature in individuals affected with POLD1-related conditions. Invitae Evidence Modeling of protein sequence and biophysical properties (such as structural, functional, and spatial information, amino acid conservation, physicochemical variation, residue mobility, and thermodynamic stability) indicates that this missense variant is not expected to disrupt POLD1 protein function with a negative predictive value of 80%. In summary, the available evidence is currently insufficient to determine the role of this variant in disease. Therefore, it has been classified as a Variant of Uncertain Significance.